The following is an entry in ClinVar:

NM_000492.4(CFTR):c.902dup (p.Tyr301Ter)

Gene: CFTR (CF transmembrane conductance regulator; plus strand). Cytogenetic location: 7q31.2.
Variant type: Duplication.
Coding change: c.902dup on transcript NM_000492.4 (MANE Select); coding-DNA position 902, one base duplicated (A; older notation c.902dupA).
Protein change: p.Tyr301Ter; replaces tyrosine 301 with a stop codon.
Molecular consequence: nonsense.
Genome position (GRCh38, 1-based): chr7:117,540,132, A duplicated. VCF-style (leftmost placement, unchanged base first): chr7-117540131-T-TA. GRCh37 (hg19) VCF-style: chr7-117180185-T-TA.
Other names: short protein forms Y301*.
Identifiers: ClinVar variation 2006194 (VCV002006194.4), dbSNP rs2485026493, ClinGen allele CA2580076438.

ClinVar aggregate classification (germline): Pathogenic (1 of 4 stars; one submission).

Conditions:
Cystic fibrosis (CF). Also called: MUCOVISCIDOSIS. Identifiers: Orphanet 586, MedGen C0010674, MONDO:0009061, OMIM 219700. Disease mechanism: loss of function.

Submission:

Labcorp Genetics (formerly Invitae), Labcorp
Classification: Pathogenic for Cystic fibrosis. Last evaluated: 2022-06-14. Review status: criteria provided, single submitter. Criteria: Invitae Variant Classification Sherloc (09022015). Collection method: clinical testing. Allele origin: germline.
Comment: This variant has not been reported in the literature in individuals affected with CFTR-related conditions. For these reasons, this variant has been classified as Pathogenic. This variant is not present in population databases (gnomAD no frequency). This sequence change creates a premature translational stop signal (p.Tyr301*) in the CFTR gene. It is expected to result in an absent or disrupted protein product. Loss-of-function variants in CFTR are known to be pathogenic (PMID: 1695717, 7691345, 9725922).

Literature cited by the submitters: PubMed 1695717; PubMed 7691345; PubMed 9725922.